The following is an entry in ClinVar:

NM_001386393.1(PANK2):c.815C>T (p.Pro272Leu)

Gene: PANK2 (pantothenate kinase 2; plus strand). Cytogenetic location: 20p13.
Variant type: single nucleotide variant.
Coding change: c.815C>T on transcript NM_001386393.1 (MANE Select); coding-DNA position 815, C replaced by T.
Protein change: p.Pro272Leu; replaces proline 272 with leucine.
Molecular consequence: missense variant. On other transcripts: 5 prime UTR variant (1), non-coding transcript variant (1).
Genome position (GRCh38, 1-based): chr20:3,910,740, C>T. VCF-style: chr20-3910740-C-T. GRCh37 (hg19) VCF-style: chr20-3891387-C-T.
Other names: c.272C>T, p.Pro91Leu (NM_001324191.2, NM_024960.6, NM_153640.4); c.-164C>T (NM_001324193.2); c.1145C>T, p.Pro382Leu (NM_153638.4); short protein forms P91L, P272L, P382L.
Identifiers: ClinVar variation 1484477 (VCV001484477.6), dbSNP rs368002284, ClinGen allele CA9750774.

ClinVar aggregate classification (germline): Uncertain significance. Review status: criteria provided, multiple submitters, no conflicts (2 of 4 stars). 2 submissions from 2 submitters: Uncertain significance (2). Last evaluated 2024-09-06.

Conditions:
Pigmentary pallidal degeneration (NBIA1). Also called: PKAN NEUROAXONAL DYSTROPHY, JUVENILE-ONSET; Neurodegeneration with brain iron accumulation 1; Pantothenate Kinase-Associated Neurodegeneration; HARP SYNDROME; Neuroaxonal dystrophy, late infantile; Hallervorden-Spatz disease. Identifiers: Orphanet 157850, MedGen C0018523, MONDO:0009319, OMIM 234200.

Allele frequency attached by ClinVar (database versions not stated): TOPMed 0.00004; gnomAD 0.00006 and 0.00007; gnomAD exomes 0.00006 and 0.00008; ESP Exome Variant Server 0.00008; ExAC 0.00009.
gnomAD v4.1: 140 of 1,613,972 alleles (0.0087%); highest among the groups gnomAD compares: South Asian, 0.013%; 1 homozygote.

Submissions (2):

Blueprint Genetics
Classification: Uncertain significance. Last evaluated: 2024-09-06. Review status: criteria provided, single submitter. Criteria: ACMG Guidelines, 2015. Collection method: clinical testing. Allele origin: germline.

Labcorp Genetics (formerly Invitae), Labcorp
Classification: Uncertain significance for Pigmentary pallidal degeneration. Last evaluated: 2022-03-13. Review status: criteria provided, single submitter. Criteria: Invitae Variant Classification Sherloc (09022015). Collection method: clinical testing. Allele origin: germline.
Comment: This sequence change replaces proline, which is neutral and non-polar, with leucine, which is neutral and non-polar, at codon 382 of the PANK2 protein (p.Pro382Leu). This variant is present in population databases (rs368002284, gnomAD 0.02%). This variant has not been reported in the literature in individuals affected with PANK2-related conditions. Algorithms developed to predict the effect of missense changes on protein structure and function (SIFT, PolyPhen-2, Align-GVGD) all suggest that this variant is likely to be tolerated. In summary, the available evidence is currently insufficient to determine the role of this variant in disease. Therefore, it has been classified as a Variant of Uncertain Significance.